The following is an entry in ClinVar:

NM_000169.3(GLA):c.525C>G (p.Asp175Glu)

Genes: GLA (galactosidase alpha; minus strand), RPL36A-HNRNPH2 (RPL36A-HNRNPH2 readthrough; plus strand). Cytogenetic location: Xq22.1.
Variant type: single nucleotide variant.
Coding change: c.525C>G on transcript NM_000169.3 (MANE Select); coding-DNA position 525, C replaced by G.
Protein change: p.Asp175Glu; replaces aspartic acid 175 with glutamic acid.
Molecular consequence: missense variant. On other transcripts: non-coding transcript variant (3), intron variant (2).
Genome position (GRCh38, 1-based): chrX:101,401,654, G>C on the plus strand (C>G on the coding strand, the complement: GLA is on the minus strand). VCF-style: chrX-101401654-G-C. GRCh37 (hg19) VCF-style: chrX-100656642-G-C.
Other names: c.648C>G, p.Asp216Glu (NM_001406747.1, NM_001406749.1); c.525C>G, p.Asp175Glu (NM_001406748.1); c.300+6197G>C (NM_001199973.2); c.177+9832G>C (NM_001199974.2); short protein forms D175E, D216E.
Identifiers: ClinVar variation 573833 (VCV000573833.26), dbSNP rs782722844, ClinGen allele CA333093898.
Genomic context (GRCh38, chrX:101,401,654, plus strand): 5'-CTTTCCTTTGTGGCTAAATCTCTGGAATGAAACATTACCATCTGCCAAATTTTCCAAACT[G>C]TCACAGTAACAACCATCAAATTTTAGCAGATCTACTCCCCAGTCAGCAAAGGTCTGGGCA-3'
Protein context (NP_000160.1, residues 165-185): DLLKFDGCYC[Asp175Glu]SLENLADGYK

ClinVar aggregate classification (germline): Conflicting classifications of pathogenicity. Review status: criteria provided, conflicting classifications (1 of 4 stars). 9 submissions from 9 submitters: Uncertain significance (5); Likely benign (3). 1 of the submissions does not count toward it. Last evaluated 2026-09-08.

Conditions:
GLA-related disorder. Also called: GLA-related condition.
Cardiovascular phenotype. Identifiers: MedGen CN230736.
Fabry disease. Also called: Fabry's disease; CERAMIDE TRIHEXOSIDASE DEFICIENCY; GLA DEFICIENCY; HEREDITARY DYSTOPIC LIPIDOSIS; Angiokeratoma corporis diffusum; ALPHA-GALACTOSIDASE A DEFICIENCY. Identifiers: Orphanet 324, MedGen C0002986, MONDO:0010526, OMIM 301500, HP:0001071. Disease mechanism: Fabry disease is due to inactivating mutations in the X-linked GLA gene resulting in deficiency of the enzyme Alpha Galactosidase-A., loss of function.

Allele frequency attached by ClinVar (database versions not stated): TOPMed 0.00003.

Submissions (9):

Genomenon, Inc
Classification: Uncertain significance for Fabry disease. Last evaluated: 2026-09-08. Review status: criteria provided, single submitter. Criteria: Genomenon Sequence Variant Interpretation Standards - Updated. Collection method: curation. Allele origin: germline. Affected: no.
Comment: GLA p.Asp175Glu (c.525C>G) is a missense variant that changes the amino acid at codon 175 from Aspartic acid to Glutamic acid. This variant has been reported in the published literature (PMID:32023956;27657681;39099234). It is absent or not present at a significant frequency in gnomAD. In conclusion, we classify GLA p.Asp175Glu (c.525C>G) as a variant of uncertain significance.

Color Diagnostics, LLC DBA Color Health
Classification: Likely benign for Fabry disease. Last evaluated: 2025-11-04. Review status: criteria provided, single submitter. Criteria: ACMG Guidelines, 2015. Collection method: clinical testing. Allele origin: germline.

Labcorp Genetics (formerly Invitae), Labcorp
Classification: Uncertain significance for Fabry disease. Last evaluated: 2025-01-21. Review status: criteria provided, single submitter. Criteria: Invitae Variant Classification Sherloc (09022015). Collection method: clinical testing. Allele origin: germline.
Comment: This sequence change replaces aspartic acid, which is acidic and polar, with glutamic acid, which is acidic and polar, at codon 175 of the GLA protein (p.Asp175Glu). This variant is present in population databases (rs782722844, gnomAD 0.006%). This missense change has been observed in individual(s) with Fabry disease and/or hypertrophic cardiomyopathy (PMID: 27532257, 32531501; internal data). ClinVar contains an entry for this variant (Variation ID: 573833). Invitae Evidence Modeling of protein sequence and biophysical properties (such as structural, functional, and spatial information, amino acid conservation, physicochemical variation, residue mobility, and thermodynamic stability) indicates that this missense variant is not expected to disrupt GLA protein function with a negative predictive value of 80%. Experimental studies have shown that this missense change affects GLA function (PMID: 31036492). In summary, the available evidence is currently insufficient to determine the role of this variant in disease. Therefore, it has been classified as a Variant of Uncertain Significance.

Ambry Genetics
Classification: Uncertain significance for Cardiovascular phenotype. Last evaluated: 2024-06-05. Review status: criteria provided, single submitter. Criteria: Ambry Variant Classification Scheme 2023. Collection method: clinical testing. Allele origin: germline.
Comment: The p.D175E variant (also known as c.525C>G), located in coding exon 3 of the GLA gene, results from a C to G substitution at nucleotide position 525. The aspartic acid at codon 175 is replaced by glutamic acid, an amino acid with highly similar properties. This variant has been detected in multiple individuals with hypertrophic cardiomyopathy (HCM), some of whom have variants in other cardiac genes (Mademont-Soler I et al. PLoS ONE, 2017 Aug;12:e0181465; Walsh R et al. Genet. Med., 2017 02;19:192-203; Azevedo O et al. Am. Heart J., 2020 08;226:114-126). Based on data from gnomAD, the G allele has an overall frequency of 0.003% (6/183473) total alleles studied, with 5 hemizygotes observed. The highest observed frequency was 0.02208% (1/4530) of Other alleles. This amino acid position is well conserved in available vertebrate species. In addition, this alteration is predicted to be tolerated by in silico analysis. Since supporting evidence is limited at this time, the clinical significance of this alteration remains unclear.

PreventionGenetics, part of Exact Sciences
Classification: Uncertain significance for GLA-related condition. Last evaluated: 2023-05-22. Review status: criteria provided, single submitter. Criteria: ACMG Guidelines, 2015. Collection method: clinical testing. Allele origin: germline.
Comment: The GLA c.525C>G variant is predicted to result in the amino acid substitution p.Asp175Glu. This variant was reported in a patients with Fabry disease and related cardiac phenotypes (Lukas et al. 2013. PubMed ID: 23935525; Patient 5 in Patel et al. 2015. PubMed ID: 25655062; Azevedo et al. 2020. PubMed ID: 32531501). In one case, a patient was noted to also have variants in other HCM gene (Azevedo et al. 2020. PubMed ID: 32531501; Patient 101 in Supplementary Table 2, Mademont-Soler et al. 2017. PubMed ID: 28771489). Functional analysis of this variant showed that enzymatic activity was mildly impacted and ~90% compared to wildtype (Lukas et al. 2013. PubMed ID: 23935525). This variant is reported in 0.0061% of alleles in individuals of European, including five hemizygous individuals (Non-Finnish) descent in gnomAD which is likely too frequent to be associated with high penetrance. In ClinVar, this variant has conflicting interpretations regarding its pathogenicity ranging from likely benign to uncertain. Although we suspect that this variant may be benign, at this time, the clinical significance of this variant is uncertain due to the absence of conclusive functional and genetic evidence.

Genome-Nilou Lab
Classification: Likely benign for Fabry disease. Last evaluated: 2021-07-15. Review status: criteria provided, single submitter. Criteria: ACMG Guidelines, 2015. Collection method: clinical testing. Allele origin: germline. Affected: no.

Revvity Omics, Revvity
Classification: Uncertain significance. Last evaluated: 2021-05-17. Review status: criteria provided, single submitter. Criteria: ACMG Guidelines, 2015. Collection method: clinical testing. Allele origin: germline.

GeneDx
Classification: Likely benign. Last evaluated: 2019-03-06. Review status: criteria provided, single submitter. Criteria: GeneDx Variant Classification Process June 2021. Collection method: clinical testing. Allele origin: germline. Affected: yes.
Comment: This variant is associated with the following publications: (PMID: 27657681, 27532257, 23935525)

Natera, Inc.
Classification: Uncertain significance for Fabry disease. Last evaluated: 2020-09-16. Review status: no assertion criteria provided. Collection method: clinical testing. Allele origin: germline. Not counted in ClinVar's aggregate classification.

Literature cited by the submitters: PubMed 32023956 (cited by Genomenon, Inc); PubMed 27657681 (cited by Genomenon, Inc); PubMed 39099234 (cited by Genomenon, Inc); PubMed 27532257 (cited by Labcorp Genetics (formerly Invitae), Labcorp and Ambry Genetics); PubMed 32531501 (cited by Labcorp Genetics (formerly Invitae), Labcorp and Ambry Genetics); PubMed 31036492 (cited by Labcorp Genetics (formerly Invitae), Labcorp); PubMed 25655062 (cited by Ambry Genetics); PubMed 28771489 (cited by Ambry Genetics).